The following is an entry in ClinVar:

ClinVar aggregate classification (germline): Uncertain significance (1 of 4 stars; one submission).

Submission:

Labcorp Genetics (formerly Invitae), Labcorp
Classification: Uncertain significance. Last evaluated: 2025-02-10. Review status: criteria provided, single submitter. Criteria: Invitae Variant Classification Sherloc (09022015). Collection method: clinical testing. Allele origin: germline.
Comment: This sequence change replaces arginine, which is basic and polar, with lysine, which is basic and polar, at codon 342 of the BACH2 protein (p.Arg342Lys). This variant is not present in population databases (gnomAD no frequency). This variant has not been reported in the literature in individuals affected with BACH2-related conditions. ClinVar contains an entry for this variant (Variation ID: 1952996). Invitae Evidence Modeling of protein sequence and biophysical properties (such as structural, functional, and spatial information, amino acid conservation, physicochemical variation, residue mobility, and thermodynamic stability) indicates that this missense variant is not expected to disrupt BACH2 protein function with a negative predictive value of 80%. In summary, the available evidence is currently insufficient to determine the role of this variant in disease. Therefore, it has been classified as a Variant of Uncertain Significance.

NM_021813.4(BACH2):c.1025G>A (p.Arg342Lys)

Gene: BACH2 (BACH transcriptional regulator 2; minus strand). Cytogenetic location: 6q15.
Variant type: single nucleotide variant.
Coding change: c.1025G>A on transcript NM_021813.4 (MANE Select); coding-DNA position 1025, G replaced by A.
Protein change: p.Arg342Lys; replaces arginine 342 with lysine.
Molecular consequence: missense variant.
Genome position (GRCh38, 1-based): chr6:89,951,081, C>T on the plus strand (G>A on the coding strand, the complement: BACH2 is on the minus strand). VCF-style: chr6-89951081-C-T. GRCh37 (hg19) VCF-style: chr6-90660800-C-T.
Other names: c.1025G>A, p.Arg342Lys (NM_001170794.2); short protein forms R342K.
Identifiers: ClinVar variation 1952996 (VCV001952996.5), dbSNP rs953564713, ClinGen allele CA143342179.